The following is an entry in ClinVar:

NM_020366.4(RPGRIP1):c.2618_2619del (p.His873fs)

Gene: RPGRIP1 (RPGR interacting protein 1; plus strand). Cytogenetic location: 14q11.2.
Variant type: Deletion.
Coding change: c.2618_2619del on transcript NM_020366.4 (MANE Select); coding-DNA positions 2618 to 2619, 2 bases deleted (AT; older notation c.2618_2619delAT).
Protein change: p.His873fs; shifts the reading frame from histidine 873.
Molecular consequence: frameshift variant. On other transcripts: intron variant (4).
Genome position (GRCh38, 1-based): chr14:21,326,081-21,326,082, AT deleted. VCF-style (leftmost placement, unchanged base first): chr14-21326080-CAT-C. GRCh37 (hg19) VCF-style: chr14-21794239-CAT-C.
Other names: c.1544_1545del, p.His515fs (NM_001377948.1); c.796+1356_796+1357del (NM_001377949.1); c.689-1542_689-1541del (NM_001377523.1, NM_001377950.1); c.191-1542_191-1541del (NM_001377951.1); short protein forms H515fs, H873fs.
Identifiers: ClinVar variation 4785612 (VCV004785612.1).

ClinVar aggregate classification (germline): Pathogenic (1 of 4 stars; one submission).

Conditions:
Leber congenital amaurosis 6 (LCA6). Identifiers: Orphanet 65, MedGen C1854260, MONDO:0013446, OMIM 613826.
Cone-rod dystrophy 13 (CORD13). Identifiers: Orphanet 1872, MedGen C2750720, MONDO:0011987, OMIM 608194.

Submission:

Labcorp Genetics (formerly Invitae), Labcorp
Classification: Pathogenic for Leber congenital amaurosis 6; Cone-rod dystrophy 13. Last evaluated: 2026-01-20. Review status: criteria provided, single submitter. Criteria: Invitae Variant Classification Sherloc (09022015). Collection method: clinical testing. Allele origin: germline.
Comment: This sequence change creates a premature translational stop signal (p.His873Argfs*3) in the RPGRIP1 gene. It is expected to result in an absent or disrupted protein product. Loss-of-function variants in RPGRIP1 are known to be pathogenic (PMID: 11528500, 23105016). This variant is not present in population databases (gnomAD no frequency). This variant has not been reported in the literature in individuals affected with RPGRIP1-related conditions. Algorithms developed to predict the effect of sequence changes on RNA splicing suggest that this variant may disrupt the consensus splice site. For these reasons, this variant has been classified as Pathogenic.

Literature cited by the submitters: PubMed 11528500; PubMed 23105016.